The following is an entry in ClinVar:

NM_080680.3(COL11A2):c.3541C>T (p.Pro1181Ser)

Gene: COL11A2 (collagen type XI alpha 2 chain; minus strand). Cytogenetic location: 6p21.32.
Variant type: single nucleotide variant.
Coding change: c.3541C>T on transcript NM_080680.3 (MANE Select); coding-DNA position 3541, C replaced by T.
Protein change: p.Pro1181Ser; replaces proline 1181 with serine.
Molecular consequence: missense variant.
Genome position (GRCh38, 1-based): chr6:33,170,367, G>A on the plus strand (C>T on the coding strand, the complement: COL11A2 is on the minus strand). VCF-style: chr6-33170367-G-A. GRCh37 (hg19) VCF-style: chr6-33138144-G-A.
Other names: c.3220C>T, p.Pro1074Ser (NM_080679.3); c.3283C>T, p.Pro1095Ser (NM_080681.3); short protein forms P1074S, P1095S, P1181S.
Identifiers: ClinVar variation 2098646 (VCV002098646.4), dbSNP rs1769858675, ClinGen allele CA363629793.

ClinVar aggregate classification (germline): Uncertain significance (1 of 4 stars; one submission).

Allele frequency attached by ClinVar (database versions not stated): gnomAD exomes below 0.00001; TOPMed below 0.00001.
gnomAD v4.1: 1 of 1,613,934 alleles (0.000062%); highest among the groups gnomAD compares: Non-Finnish European, 0.000085%; no homozygotes.

Submission:

Labcorp Genetics (formerly Invitae), Labcorp
Classification: Uncertain significance. Last evaluated: 2022-02-18. Review status: criteria provided, single submitter. Criteria: Invitae Variant Classification Sherloc (09022015). Collection method: clinical testing. Allele origin: germline.
Comment: This variant has not been reported in the literature in individuals affected with COL11A2-related conditions. In summary, the available evidence is currently insufficient to determine the role of this variant in disease. Therefore, it has been classified as a Variant of Uncertain Significance. Advanced modeling of protein sequence and biophysical properties (such as structural, functional, and spatial information, amino acid conservation, physicochemical variation, residue mobility, and thermodynamic stability) performed at Invitae indicates that this missense variant is not expected to disrupt COL11A2 protein function. This variant is not present in population databases (gnomAD no frequency). This sequence change replaces proline, which is neutral and non-polar, with serine, which is neutral and polar, at codon 1181 of the COL11A2 protein (p.Pro1181Ser).